The following is an entry in ClinVar:

ClinVar aggregate classification (germline): Conflicting classifications of pathogenicity. Review status: criteria provided, conflicting classifications (1 of 4 stars). 2 submissions from 2 submitters: Uncertain significance (1); Likely benign (1). Last evaluated 2025-07-24.

Allele frequency attached by ClinVar (database versions not stated): TOPMed below 0.00001.

Submissions (2):

Ambry Genetics
Classification: Likely benign. Last evaluated: 2025-07-24. Review status: criteria provided, single submitter. Criteria: Ambry Variant Classification Scheme 2023. Collection method: clinical testing. Allele origin: germline.

Labcorp Genetics (formerly Invitae), Labcorp
Classification: Uncertain significance. Last evaluated: 2020-11-10. Review status: criteria provided, single submitter. Criteria: Invitae Variant Classification Sherloc (09022015). Collection method: clinical testing. Allele origin: germline.
Comment: This variant has not been reported in the literature in individuals with RNF43-related conditions. In summary, the available evidence is currently insufficient to determine the role of this variant in disease. Therefore, it has been classified as a Variant of Uncertain Significance. Algorithms developed to predict the effect of missense changes on protein structure and function are either unavailable or do not agree on the potential impact of this missense change (SIFT: "Tolerated"; PolyPhen-2: "Possibly Damaging"; Align-GVGD: "Class C0"). This variant is not present in population databases (ExAC no frequency). This sequence change replaces alanine with glutamic acid at codon 42 of the RNF43 protein (p.Ala42Glu). The alanine residue is moderately conserved and there is a moderate physicochemical difference between alanine and glutamic acid.

NM_017763.6(RNF43):c.125C>A (p.Ala42Glu)

Gene: RNF43 (ring finger protein 43; minus strand). Cytogenetic location: 17q22.
Variant type: single nucleotide variant.
Coding change: c.125C>A on transcript NM_017763.6 (MANE Select); coding-DNA position 125, C replaced by A.
Protein change: p.Ala42Glu; replaces alanine 42 with glutamic acid.
Molecular consequence: missense variant.
Genome position (GRCh38, 1-based): chr17:58,415,453, G>T on the plus strand (C>A on the coding strand, the complement: RNF43 is on the minus strand). VCF-style: chr17-58415453-G-T. GRCh37 (hg19) VCF-style: chr17-56492814-G-T.
Other names: c.125C>A, p.Ala42Glu (NM_001305544.3); c.125C>A (NM_017763.4); short protein forms A42E.
Identifiers: ClinVar variation 1523096 (VCV001523096.9), dbSNP rs1974104143, ClinGen allele CA400359858.